The following is an entry in ClinVar:

NM_000400.4(ERCC2):c.404A>G (p.His135Arg)

Gene: ERCC2 (ERCC excision repair 2, TFIIH core complex helicase subunit; minus strand). Cytogenetic location: 19q13.32.
Variant type: single nucleotide variant.
Coding change: c.404A>G on transcript NM_000400.4 (MANE Select); coding-DNA position 404, A replaced by G.
Protein change: p.His135Arg; replaces histidine 135 with arginine.
Molecular consequence: missense variant.
Genome position (GRCh38, 1-based): chr19:45,365,115, T>C on the plus strand (A>G on the coding strand, the complement: ERCC2 is on the minus strand). VCF-style: chr19-45365115-T-C. GRCh37 (hg19) VCF-style: chr19-45868373-T-C.
Other names: c.332A>G, p.His111Arg (NM_001130867.2); short protein forms H111R, H135R.
Identifiers: ClinVar variation 1737340 (VCV001737340.2), dbSNP rs2514035127, ClinGen allele CA406376100.

ClinVar aggregate classification (germline): Uncertain significance (1 of 4 stars; one submission).

Conditions:
Inborn genetic diseases. Identifiers: MedGen C0950123, MeSH D030342.

Submission:

Ambry Genetics
Classification: Uncertain significance for Inborn genetic diseases. Last evaluated: 2022-10-22. Review status: criteria provided, single submitter. Criteria: Ambry Variant Classification Scheme 2023. Collection method: clinical testing. Allele origin: germline.
Comment: The p.H135R variant (also known as c.404A>G), located in coding exon 6 of the ERCC2 gene, results from an A to G substitution at nucleotide position 404. The histidine at codon 135 is replaced by arginine, an amino acid with highly similar properties. This amino acid position is conserved. In addition, the in silico prediction for this alteration is inconclusive. Since supporting evidence is limited at this time, the clinical significance of this alteration remains unclear.